The following is an entry in ClinVar:

ClinVar aggregate classification (germline): Uncertain significance (1 of 4 stars; one submission).

Submission:

Labcorp Genetics (formerly Invitae), Labcorp
Classification: Uncertain significance. Last evaluated: 2025-12-01. Review status: criteria provided, single submitter. Criteria: Invitae Variant Classification Sherloc (09022015). Collection method: clinical testing. Allele origin: germline.
Comment: This sequence change replaces glutamic acid, which is acidic and polar, with glycine, which is neutral and non-polar, at codon 569 of the HYOU1 protein (p.Glu569Gly). This variant is not present in population databases (gnomAD no frequency). This variant has not been reported in the literature in individuals affected with HYOU1-related conditions. ClinVar contains an entry for this variant (Variation ID: 2119637). An algorithm developed to predict the effect of missense changes on protein structure and function (PolyPhen-2) suggests that this variant is likely to be tolerated. In summary, the available evidence is currently insufficient to determine the role of this variant in disease. Therefore, it has been classified as a Variant of Uncertain Significance.

NM_006389.5(HYOU1):c.1706A>G (p.Glu569Gly)

Gene: HYOU1 (hypoxia up-regulated 1; minus strand). Cytogenetic location: 11q23.3.
Variant type: single nucleotide variant.
Coding change: c.1706A>G on transcript NM_006389.5 (MANE Select); coding-DNA position 1706, A replaced by G.
Protein change: p.Glu569Gly; replaces glutamic acid 569 with glycine.
Molecular consequence: missense variant.
Genome position (GRCh38, 1-based): chr11:119,049,797, T>C on the plus strand (A>G on the coding strand, the complement: HYOU1 is on the minus strand). VCF-style: chr11-119049797-T-C. GRCh37 (hg19) VCF-style: chr11-118920509-T-C.
Other names: c.1706A>G, p.Glu569Gly (NM_001130991.3, NM_001411041.1); short protein forms E569G.
Identifiers: ClinVar variation 2119637 (VCV002119637.4), dbSNP rs2497139991, ClinGen allele CA382933804.